The following is an entry in ClinVar:

ClinVar aggregate classification (germline): Pathogenic/Likely pathogenic. Review status: criteria provided, multiple submitters, no conflicts (2 of 4 stars). 6 submissions from 6 submitters: Pathogenic (5); Likely pathogenic (1). Last evaluated 2025-09-10.

Conditions:
Acromesomelic dysplasia 1, Maroteaux type (AMD1). Also called: ACROMESOMELIC DYSPLASIA 1; ST. HELENA DYSPLASIA. Identifiers: Orphanet 40, MedGen C1864356, MONDO:0011275, OMIM 602875.
Tall stature-scoliosis-macrodactyly of the great toes syndrome. Also called: Epiphyseal chondrodysplasia, miura type. Identifiers: Orphanet 329191, MedGen C4014690, MONDO:0014401, OMIM 615923.
Short stature with nonspecific skeletal abnormalities. Identifiers: MedGen C4225399, MONDO:0975810.

Allele frequency attached by ClinVar (database versions not stated): gnomAD 0.00001; gnomAD exomes below 0.00001; TOPMed 0.00001.
gnomAD v4.1: 3 of 1,612,484 alleles (0.00019%); highest among the groups gnomAD compares: Non-Finnish European, 0.00025%; no homozygotes.

Submissions (6):

Genomic Medicine Center of Excellence, King Faisal Specialist Hospital and Research Centre
Classification: Pathogenic for Acromesomelic dysplasia 1, Maroteaux type. Last evaluated: 2025-09-10. Review status: criteria provided, single submitter. Criteria: ACMG Guidelines, 2015. Collection method: clinical testing. Allele origin: germline.

Labcorp Genetics (formerly Invitae), Labcorp
Classification: Pathogenic for Tall stature-scoliosis-macrodactyly of the great toes syndrome; Acromesomelic dysplasia 1, Maroteaux type. Last evaluated: 2025-08-23. Review status: criteria provided, single submitter. Criteria: Invitae Variant Classification Sherloc (09022015). Collection method: clinical testing. Allele origin: germline.
Comment: This sequence change creates a premature translational stop signal (p.Arg479*) in the NPR2 gene. It is expected to result in an absent or disrupted protein product. Loss-of-function variants in NPR2 are known to be pathogenic (PMID: 15146390, 15572448, 16384845). This variant is not present in population databases (gnomAD no frequency). This premature translational stop signal has been observed in individual(s) with autosomal recessive acromesomelic dysplasia, Maroteaux type (PMID: 26349192). ClinVar contains an entry for this variant (Variation ID: 375290). For these reasons, this variant has been classified as Pathogenic.

GeneDx
Classification: Pathogenic. Last evaluated: 2020-01-23. Review status: criteria provided, single submitter. Criteria: GeneDx Variant Classification Process June 2021. Collection method: clinical testing. Allele origin: germline. Affected: yes.
Comment: Nonsense variant predicted to result in protein truncation or nonsense mediated decay in a gene for which loss-of-function is a known mechanism of disease; Not observed in large population cohorts (Lek et al., 2016); This variant is associated with the following publications: (PMID: 30016695, 27994189, 26349192)

Institute of Human Genetics, University of Leipzig Medical Center
Classification: Pathogenic for Short stature with nonspecific skeletal abnormalities 1. Last evaluated: 2019-01-01. Review status: criteria provided, single submitter. Criteria: ACMG Guidelines, 2015. Collection method: clinical testing. Allele origin: unknown. Affected: yes.

Department of Medical Genetics, Sanjay Gandhi Post Graduate Institute of Medical Sciences
Classification: Pathogenic for Acromesomelic dysplasia 1, Maroteaux type. Last evaluated: 2015-03-01. Review status: criteria provided, single submitter. Criteria: ACMG Guidelines, 2015. Collection method: clinical testing. Allele origin: inherited. Affected: yes. Observed: 1 homozygote. Segregation with disease observed.

Kasturba Medical College, Manipal, Kasturba Medical College, Manipal, Manipal Academy of Higher Education, Manipal, India
Classification: Likely pathogenic for Acromesomelic dysplasia 1, Maroteaux type. Review status: criteria provided, single submitter. Criteria: ACMG Guidelines, 2015. Collection method: clinical testing. Allele origin: inherited. Inheritance: Autosomal recessive inheritance. Affected: yes.

Literature cited by the submitters: PubMed 15146390 (cited by Labcorp Genetics (formerly Invitae), Labcorp); PubMed 15572448 (cited by Labcorp Genetics (formerly Invitae), Labcorp); PubMed 16384845 (cited by Labcorp Genetics (formerly Invitae), Labcorp); PubMed 26349192 (cited by Labcorp Genetics (formerly Invitae), Labcorp); PubMed 27994189 (cited by Department of Medical Genetics, Sanjay Gandhi Post Graduate Institute of Medical Sciences).

NM_003995.4(NPR2):c.1435C>T (p.Arg479Ter)

Gene: NPR2 (natriuretic peptide receptor 2; plus strand). Cytogenetic location: 9p13.3.
Variant type: single nucleotide variant.
Coding change: c.1435C>T on transcript NM_003995.4 (MANE Select); coding-DNA position 1435, C replaced by T.
Protein change: p.Arg479Ter; replaces arginine 479 with a stop codon.
Molecular consequence: nonsense. On other transcripts: missense variant (1).
Genome position (GRCh38, 1-based): chr9:35,801,153, C>T. VCF-style: chr9-35801153-C-T. GRCh37 (hg19) VCF-style: chr9-35801150-C-T.
Other names: c.1435C>T, p.Arg479Cys (NM_001378923.1); c.1435C>T (NM_003995.2); short protein forms R479*, R479C.
Identifiers: ClinVar variation 375290 (VCV000375290.11), dbSNP rs1057519324, ClinGen allele CA16044039.